The following is an entry in ClinVar:

ClinVar aggregate classification (germline): Likely benign (1 of 4 stars; one submission).

Conditions:
LSR-related condition.

gnomAD v4.1: 146 of 1,614,044 alleles (0.009%); highest among the groups gnomAD compares: Non-Finnish European, 0.011%; no homozygotes.

Submission:

PreventionGenetics, part of Exact Sciences
Classification: Likely benign for LSR-related condition. Last evaluated: 2026-09-02. Review status: criteria provided, single submitter. Criteria: ACMG Guidelines, 2015. Collection method: clinical testing. Allele origin: germline.
Comment: This variant is classified as likely benign based on ACMG/AMP sequence variant interpretation guidelines (Richards et al. 2015 PMID: 25741868, with internal and published modifications).

NM_205834.4(LSR):c.735C>G (p.Val245=)

Gene: LSR (lipolysis stimulated lipoprotein receptor; plus strand). Cytogenetic location: 19q13.12.
Variant type: single nucleotide variant.
Coding change: c.735C>G on transcript NM_205834.4 (MANE Select); coding-DNA position 735, C replaced by G.
Protein change: p.Val245=; no amino-acid change (valine 245 retained).
Molecular consequence: synonymous variant. On other transcripts: intron variant (3).
Genome position (GRCh38, 1-based): chr19:35,262,649, C>G. VCF-style: chr19-35262649-C-G. GRCh37 (hg19) VCF-style: chr19-35753552-C-G.
Other names: c.678C>G, p.Val226= (NM_001260489.2, NM_015925.7); c.574+3585C>G (NM_205835.4, NM_001385215.1); c.455-3710C>G (NM_001260490.2).
Identifiers: ClinVar variation 4980963 (VCV004980963.1).